The following is an entry in ClinVar:

ClinVar aggregate classification (germline): Likely benign. Review status: criteria provided, multiple submitters, no conflicts (2 of 4 stars). 3 submissions from 3 submitters: Likely benign (2). 1 of the submissions does not count toward it. Last evaluated 2025-09-17.

Conditions:
ETV6-related disorder. Also called: ETV6-related condition.
Inborn genetic diseases. Identifiers: MedGen C0950123, MeSH D030342.

Allele frequency attached by ClinVar (database versions not stated): gnomAD 0.00001; gnomAD exomes 0.00002; TOPMed 0.00004; ExAC 0.00006.
gnomAD v4.1: 33 of 1,614,036 alleles (0.002%); highest among the groups gnomAD compares: East Asian, 0.013%; no homozygotes.

Submissions (3):

Labcorp Genetics (formerly Invitae), Labcorp
Classification: Likely benign. Last evaluated: 2025-09-17. Review status: criteria provided, single submitter. Criteria: Invitae Variant Classification Sherloc (09022015). Collection method: clinical testing. Allele origin: germline.

Ambry Genetics
Classification: Likely benign for Inborn genetic diseases. Last evaluated: 2025-01-06. Review status: criteria provided, single submitter. Criteria: Ambry Variant Classification Scheme 2023. Collection method: clinical testing. Allele origin: germline.

PreventionGenetics, part of Exact Sciences
Classification: Likely benign for ETV6-related condition. Last evaluated: 2022-10-26. Review status: no assertion criteria provided. Collection method: clinical testing. Allele origin: germline. Not counted in ClinVar's aggregate classification.
Comment: This variant is classified as likely benign based on ACMG/AMP sequence variant interpretation guidelines (Richards et al. 2015 PMID: 25741868, with internal and published modifications).

NM_001987.5(ETV6):c.432G>A (p.Pro144=)

Gene: ETV6 (ETS variant transcription factor 6; plus strand). Cytogenetic location: 12p13.2.
Variant type: single nucleotide variant.
Coding change: c.432G>A on transcript NM_001987.5 (MANE Select); coding-DNA position 432, G replaced by A.
Protein change: p.Pro144=; no amino-acid change (proline 144 retained).
Molecular consequence: synonymous variant.
Genome position (GRCh38, 1-based): chr12:11,853,530, G>A. VCF-style: chr12-11853530-G-A. GRCh37 (hg19) VCF-style: chr12-12006464-G-A.
Other names: c.429G>A, p.Pro143= (NM_001413913.1); c.405G>A, p.Pro135= (NM_001413914.1); c.168G>A, p.Pro56= (NM_001413915.1); c.432G>A, p.Pro144= (NM_001413916.1, NM_001413917.1).
Identifiers: ClinVar variation 3046678 (VCV003046678.4), dbSNP rs769260605, ClinGen allele CA6454235.
Genomic context (GRCh38, chr12:11,853,530, plus strand): 5'-GAAACCTCGGATTCTTTTTTCACCATTCTTCCACCCTGGAAACTCTATACACACACAGCC[G>A]GAGGTCATACTGCATCAGAACCATGAAGAAGGTACTGGAAGAGGTTTCTCTTTTCTTGCC-3'
Protein context (NP_001978.1, residues 134-154): FHPGNSIHTQ[Pro144=]EVILHQNHEE